The following is an entry in ClinVar:

ClinVar aggregate classification (germline): Uncertain significance. Review status: criteria provided, multiple submitters, no conflicts (2 of 4 stars). 3 submissions from 3 submitters: Uncertain significance (3). Last evaluated 2024-02-29.

Conditions:
Autosomal dominant familial hematuria-retinal arteriolar tortuosity-contractures syndrome. Also called: Angiopathy, hereditary, with nephropathy, aneurysms, and muscle cramps; Hereditary Angiopathy with Nephropathy, Aneurysms, and Muscle Cramps (HANAC) Syndrome. Identifiers: Orphanet 73229, MedGen C2673195, MONDO:0012726, OMIM 611773.
Retinal arterial tortuosity. Also called: RETINAL HEMORRHAGE WITH VASCULAR TORTUOSITY; Retinal arteries, tortuosity of. Identifiers: Orphanet 75326, MedGen C0423401, MONDO:0008373, OMIM 180000, HP:0000631.
Microangiopathy and leukoencephalopathy, pontine, autosomal dominant. Also called: DEMENTIA, HEREDITARY MULTI-INFARCT, SWEDISH TYPE; Pontine autosomal dominant microangiopathy with leukoencephalopathy. Identifiers: Orphanet 477749, MedGen C5231411, MONDO:0032814, OMIM 618564.
Brain small vessel disease 1 with or without ocular anomalies (BSVD1). Also called: GOULD SYNDROME 1; BRAIN SMALL VESSEL DISEASE WITH HEMORRHAGE; Brain small vessel disease with or without ocular anomalies; PORENCEPHALY, TYPE 1, AUTOSOMAL DOMINANT. Identifiers: Orphanet 2940, Orphanet 36383, Orphanet 99810, MedGen C4755307, MONDO:0008289, OMIM 175780.
Hemorrhage, intracerebral, susceptibility to (ICH). Also called: Stroke, hemorrhagic, susceptibility to. Identifiers: MedGen C3281105, MONDO:0100533, OMIM 614519.

Allele frequency attached by ClinVar (database versions not stated): TOPMed below 0.00001; gnomAD 0.00003.
gnomAD v4.1: 7 of 1,614,016 alleles (0.00043%); highest among the groups gnomAD compares: African/African-American, 0.008%; no homozygotes.

Submissions (3):

Fulgent Genetics
Classification: Uncertain significance for Brain small vessel disease 1 with or without ocular anomalies; Retinal arterial tortuosity; Autosomal dominant familial hematuria-retinal arteriolar tortuosity-contractures syndrome; Hemorrhage, intracerebral, susceptibility to; Microangiopathy and leukoencephalopathy, pontine, autosomal dominant. Last evaluated: 2024-02-29. Review status: criteria provided, single submitter. Criteria: ACMG Guidelines, 2015. Collection method: clinical testing. Allele origin: germline.

Revvity Omics, Revvity
Classification: Uncertain significance. Last evaluated: 2023-04-11. Review status: criteria provided, single submitter. Criteria: ACMG Guidelines, 2015. Collection method: clinical testing. Allele origin: germline.

Labcorp Genetics (formerly Invitae), Labcorp
Classification: Uncertain significance. Last evaluated: 2022-05-04. Review status: criteria provided, single submitter. Criteria: Invitae Variant Classification Sherloc (09022015). Collection method: clinical testing. Allele origin: germline.
Comment: This variant has not been reported in the literature in individuals affected with COL4A1-related conditions. Algorithms developed to predict the effect of missense changes on protein structure and function are either unavailable or do not agree on the potential impact of this missense change (SIFT: "Deleterious"; PolyPhen-2: "Benign"; Align-GVGD: "Class C55"). In summary, the available evidence is currently insufficient to determine the role of this variant in disease. Therefore, it has been classified as a Variant of Uncertain Significance. This sequence change replaces glycine, which is neutral and non-polar, with alanine, which is neutral and non-polar, at codon 735 of the COL4A1 protein (p.Gly735Ala). This variant is present in population databases (no rsID available, gnomAD 0.02%).

NM_001845.6(COL4A1):c.2204G>C (p.Gly735Ala)

Gene: COL4A1 (collagen type IV alpha 1 chain; minus strand). Cytogenetic location: 13q34.
Variant type: single nucleotide variant.
Coding change: c.2204G>C on transcript NM_001845.6 (MANE Select); coding-DNA position 2204, G replaced by C.
Protein change: p.Gly735Ala; replaces glycine 735 with alanine.
Molecular consequence: missense variant.
Genome position (GRCh38, 1-based): chr13:110,179,411, C>G on the plus strand (G>C on the coding strand, the complement: COL4A1 is on the minus strand). VCF-style: chr13-110179411-C-G. GRCh37 (hg19) VCF-style: chr13-110831758-C-G.
Other names: short protein forms G735A.
Identifiers: ClinVar variation 1986221 (VCV001986221.7), dbSNP rs936274247, ClinGen allele CA256259764.